The following is an entry in ClinVar:

NM_001042492.3(NF1):c.698A>G (p.Lys233Arg)

Gene: NF1 (neurofibromin 1; plus strand). Cytogenetic location: 17q11.2.
Variant type: single nucleotide variant.
Coding change: c.698A>G on transcript NM_001042492.3 (MANE Select); coding-DNA position 698, A replaced by G.
Protein change: p.Lys233Arg; replaces lysine 233 with arginine.
Molecular consequence: missense variant.
Genome position (GRCh38, 1-based): chr17:31,181,753, A>G. VCF-style: chr17-31181753-A-G. GRCh37 (hg19) VCF-style: chr17-29508771-A-G.
Other names: c.698A>G, p.Lys233Arg (NM_000267.4, NM_001128147.3); short protein forms K233R.
Identifiers: ClinVar variation 1036749 (VCV001036749.5), dbSNP rs2066138986, ClinGen allele CA398990008.

ClinVar aggregate classification (germline): Uncertain significance (1 of 4 stars; one submission).

Conditions:
Neurofibromatosis, type 1 (NF1). Also called: NEUROFIBROMATOSIS, TYPE I, SOMATIC; VON RECKLINGHAUSEN DISEASE; Peripheral type neurofibromatosis; Neurofibromatosis, type I. Identifiers: Orphanet 636, MedGen C0027831, MONDO:0018975, OMIM 162200. Disease mechanism: loss of function.

Allele frequency attached by ClinVar (database versions not stated): TOPMed below 0.00001.

Submission:

Labcorp Genetics (formerly Invitae), Labcorp
Classification: Uncertain significance for Neurofibromatosis, type 1. Last evaluated: 2022-05-28. Review status: criteria provided, single submitter. Criteria: Invitae Variant Classification Sherloc (09022015). Collection method: clinical testing. Allele origin: germline.
Comment: In summary, the available evidence is currently insufficient to determine the role of this variant in disease. Therefore, it has been classified as a Variant of Uncertain Significance. This sequence change replaces lysine, which is basic and polar, with arginine, which is basic and polar, at codon 233 of the NF1 protein (p.Lys233Arg). This variant is not present in population databases (gnomAD no frequency). This variant has not been reported in the literature in individuals affected with NF1-related conditions. ClinVar contains an entry for this variant (Variation ID: 1036749). Advanced modeling of protein sequence and biophysical properties (such as structural, functional, and spatial information, amino acid conservation, physicochemical variation, residue mobility, and thermodynamic stability) performed at Invitae indicates that this missense variant is not expected to disrupt NF1 protein function.